The following is an entry in ClinVar:

ClinVar aggregate classification (germline): Pathogenic/Likely pathogenic. Review status: criteria provided, multiple submitters, no conflicts (2 of 4 stars). 3 submissions from 3 submitters: Pathogenic (2); Likely pathogenic (1). Last evaluated 2026-04-02.

Conditions:
GNB2-related disorder. Also called: GNB2-related condition.
Paediatric disorders.

Submissions (3):

North West Genomic Laboratory Hub, Manchester University NHS Foundation Trust
Classification: Pathogenic for Paediatric disorders. Last evaluated: 2026-04-02. Review status: criteria provided, single submitter. Criteria: ACGS Best Practice Guidelines for Variant Classification in Rare Disease 2024. Collection method: clinical testing. Allele origin: germline. Affected: yes.
Comment: PS2_Str PS4_Mod PM5_Str PM2_Mod PP2_Supp

GeneDx
Classification: Pathogenic. Last evaluated: 2024-10-04. Review status: criteria provided, single submitter. Criteria: GeneDx Variant Classification Process June 2021. Collection method: clinical testing. Allele origin: germline. Affected: yes.
Comment: Reported as de novo in an individual with autism, however, detailed clinical and segregation information was not provided (PMID: 35982159); Not observed at significant frequency in large population cohorts (gnomAD); In silico analysis supports that this missense variant has a deleterious effect on protein structure/function; This variant is associated with the following publications: (PMID: 33057194, 35982159)

Blueprint Genetics
Classification: Likely pathogenic for GNB2-related disorders. Last evaluated: 2024-05-21. Review status: criteria provided, single submitter. Criteria: ACMG Guidelines, 2015. Collection method: clinical testing. Allele origin: germline. Affected: yes. Observed: 1 variant allele.

NM_005273.4(GNB2):c.230G>A (p.Gly77Glu)

Gene: GNB2 (G protein subunit beta 2; plus strand). Cytogenetic location: 7q22.1.
Variant type: single nucleotide variant.
Coding change: c.230G>A on transcript NM_005273.4 (MANE Select); coding-DNA position 230, G replaced by A.
Protein change: p.Gly77Glu; replaces glycine 77 with glutamic acid.
Molecular consequence: missense variant.
Genome position (GRCh38, 1-based): chr7:100,677,378, G>A. VCF-style: chr7-100677378-G-A. GRCh37 (hg19) VCF-style: chr7-100275001-G-A.
Other names: short protein forms G77E.
Identifiers: ClinVar variation 3776371 (VCV003776371.3).
Genomic context (GRCh38, chr7:100,677,378, plus strand): 5'-ACCCTTCTGCTCTCCCTACACCGTTCCCCACCAGGCTGCTGGTCAGCGCCTCCCAGGATG[G>A]GAAGCTCATCATCTGGGACAGCTACACCACCAACAAGGTAGGGTGGCGCGGGCTGCGGGG-3'
Protein context (NP_005264.2, residues 67-87): SRLLVSASQD[Gly77Glu]KLIIWDSYTT